The following is an entry in ClinVar:

ClinVar aggregate classification (germline): Uncertain significance. Review status: criteria provided, single submitter (1 of 4 stars). 3 submissions from 3 submitters: Uncertain significance (1). 2 of the submissions do not count toward it. Last evaluated 2022-09-12.

Conditions:
Hereditary cancer-predisposing syndrome. Also called: Neoplastic Syndromes, Hereditary; Hereditary Cancer Syndrome; Tumor predisposition; Hereditary neoplastic syndrome. Identifiers: Orphanet 140162, MedGen C0027672, MeSH D009386, MONDO:0015356.
XRCC2-related disorder. Also called: XRCC2-related condition.

Allele frequency attached by ClinVar (database versions not stated): gnomAD exomes below 0.00001; ExAC 0.00001.
gnomAD v4.1: 6 of 1,613,836 alleles (0.00037%); highest among the groups gnomAD compares: Non-Finnish European, 0.00042%; no homozygotes.

Submissions (3):

Ambry Genetics
Classification: Uncertain significance for Hereditary cancer-predisposing syndrome. Last evaluated: 2022-09-12. Review status: criteria provided, single submitter. Criteria: Ambry Variant Classification Scheme 2023. Collection method: clinical testing. Allele origin: germline.
Comment: The c.-1G>A variant is located in the 5' untranslated region (5&rsquo; UTR) of the XRCC2 gene. This variant results from a G to A substitution 1 bases upstream from the first translated codon. This alteration was detected in 1/1308 early-onset breast cancer patients and 0/1120 controls (Park DJ et al. Am J Hum Genet, 2012 Apr;90:734-9). Based on nucleotide sequence alignment, this nucleotide position is well conserved in available vertebrate species. Since supporting evidence is limited at this time, the clinical significance of this alteration remains unclear.

PreventionGenetics, part of Exact Sciences
Classification: Likely benign for XRCC2-related condition. Last evaluated: 2020-09-28. Review status: no assertion criteria provided. Collection method: clinical testing. Allele origin: germline. Not counted in ClinVar's aggregate classification.
Comment: This variant is classified as likely benign based on ACMG/AMP sequence variant interpretation guidelines (Richards et al. 2015 PMID: 25741868, with internal and published modifications).

Leiden Open Variation Database
Classification: Uncertain significance. Last evaluated: 2012-05-02. Review status: no assertion criteria provided. Collection method: curation. Allele origin: germline. Affected: yes. Not counted in ClinVar's aggregate classification.
Comment: Curator: Arleen D. Auerbach. Submitter to LOVD: Johan den Dunnen.

Literature cited by the submitters: PubMed 22464251 (cited by Ambry Genetics and Leiden Open Variation Database).

NM_005431.2(XRCC2):c.-1G>A

Gene: XRCC2 (X-ray repair cross complementing 2; minus strand). Cytogenetic location: 7q36.1.
Variant type: single nucleotide variant.
Coding change: c.-1G>A on transcript NM_005431.2 (MANE Select); 1 bases upstream of the start codon, G replaced by A.
Molecular consequence: 5 prime UTR variant.
Genome position (GRCh38, 1-based): chr7:152,676,080, C>T on the plus strand (G>A on the coding strand, the complement: XRCC2 is on the minus strand). VCF-style: chr7-152676080-C-T. GRCh37 (hg19) VCF-style: chr7-152373165-C-T.
Identifiers: ClinVar variation 929635 (VCV000929635.5), dbSNP rs768232997, ClinGen allele CA4582450.